The following is an entry in ClinVar:

NM_020964.3(EPG5):c.5603G>A (p.Gly1868Glu)

Gene: EPG5 (ectopic P-granules 5 autophagy tethering factor; minus strand). Cytogenetic location: 18q12.3.
Variant type: single nucleotide variant.
Coding change: c.5603G>A on transcript NM_020964.3 (MANE Select); coding-DNA position 5603, G replaced by A.
Protein change: p.Gly1868Glu; replaces glycine 1868 with glutamic acid.
Molecular consequence: missense variant.
Genome position (GRCh38, 1-based): chr18:45,880,139, C>T on the plus strand (G>A on the coding strand, the complement: EPG5 is on the minus strand). VCF-style: chr18-45880139-C-T. GRCh37 (hg19) VCF-style: chr18-43460104-C-T.
Other names: short protein forms G1868E.
Identifiers: ClinVar variation 1513761 (VCV001513761.9), dbSNP rs751998000, ClinGen allele CA8948547.

ClinVar aggregate classification (germline): Uncertain significance (1 of 4 stars; one submission).

Conditions:
Vici syndrome (VICIS). Identifiers: Orphanet 1493, MedGen C1855772, MONDO:0009452, OMIM 242840.

Allele frequency attached by ClinVar (database versions not stated): ExAC 0.00001; gnomAD exomes 0.00001.
gnomAD v4.1: 4 of 1,611,144 alleles (0.00025%); highest among the groups gnomAD compares: South Asian, 0.0044%; no homozygotes.

Submission:

Labcorp Genetics (formerly Invitae), Labcorp
Classification: Uncertain significance for Vici syndrome. Last evaluated: 2021-02-27. Review status: criteria provided, single submitter. Criteria: Invitae Variant Classification Sherloc (09022015). Collection method: clinical testing. Allele origin: germline.
Comment: In summary, the available evidence is currently insufficient to determine the role of this variant in disease. Therefore, it has been classified as a Variant of Uncertain Significance. Algorithms developed to predict the effect of missense changes on protein structure and function output the following: SIFT: "Tolerated"; PolyPhen-2: "Benign"; Align-GVGD: "Class C0". The glutamic acid amino acid residue is found in multiple mammalian species, suggesting that this missense change does not adversely affect protein function. These predictions have not been confirmed by published functional studies and their clinical significance is uncertain. This variant has not been reported in the literature in individuals with EPG5-related conditions. This variant is present in population databases (rs751998000, ExAC 0.006%). This sequence change replaces glycine with glutamic acid at codon 1868 of the EPG5 protein (p.Gly1868Glu). The glycine residue is moderately conserved and there is a moderate physicochemical difference between glycine and glutamic acid.